The following is an entry in ClinVar:

ClinVar aggregate classification (germline): Conflicting classifications of pathogenicity. Review status: criteria provided, conflicting classifications (1 of 4 stars). 5 submissions from 5 submitters: Uncertain significance (4); Likely benign (1). Last evaluated 2026-09-17.

Conditions:
Episodic ataxia type 2 (EA2). Also called: ATAXIA, EPISODIC, WITH NYSTAGMUS; ATAXIA, FAMILIAL PAROXYSMAL; CEREBELLAR ATAXIA, PAROXYSMAL, ACETAZOLAMIDE-RESPONSIVE; CEREBELLOPATHY, HEREDITARY PAROXYSMAL; EPISODIC ATAXIA, NYSTAGMUS-ASSOCIATED; ACETAZOLAMIDE-RESPONSIVE HEREDITARY PAROXYSMAL CEREBELLAR ATAXIA. Identifiers: Orphanet 97, MedGen C1720416, MONDO:0007163, OMIM 108500.
Developmental and epileptic encephalopathy, 42 (DEE42A). Also called: DEVELOPMENTAL AND EPILEPTIC ENCEPHALOPATHY 42A; EPILEPTIC ENCEPHALOPATHY, EARLY INFANTILE, 42A; Epileptic encephalopathy, early infantile, 42. Identifiers: MedGen C4310716, MONDO:0014917, OMIM 617106.

Allele frequency attached by ClinVar (database versions not stated): gnomAD 0.00001 and 0.00002; gnomAD exomes 0.00002; ExAC 0.00003.
gnomAD v4.1: 36 of 1,526,056 alleles (0.0024%); highest among the groups gnomAD compares: South Asian, 0.0038%; no homozygotes.

Submissions (5):

GeneDx
Classification: Uncertain significance. Last evaluated: 2026-09-17. Review status: criteria provided, single submitter. Criteria: GeneDx Variant Classification Process June 2021. Collection method: clinical testing. Allele origin: germline.
Comment: Observed in a cohort of patients with a history of lacunar stroke. Additional clinical information on the patient harbouring the variant was not provided (PMID: 31719132); In silico analysis suggests that this missense variant does not alter protein structure/function; This variant is associated with the following publications: (PMID: 31719132)

Labcorp Genetics (formerly Invitae), Labcorp
Classification: Likely benign for Developmental and epileptic encephalopathy, 42; Episodic ataxia type 2. Last evaluated: 2026-01-18. Review status: criteria provided, single submitter. Criteria: Invitae Variant Classification Sherloc (09022015). Collection method: clinical testing. Allele origin: germline.

Revvity Omics, Revvity
Classification: Uncertain significance. Last evaluated: 2020-03-11. Review status: criteria provided, single submitter. Criteria: ACMG Guidelines, 2015. Collection method: clinical testing. Allele origin: germline.

Athena Diagnostics
Classification: Uncertain significance. Last evaluated: 2017-03-21. Review status: criteria provided, single submitter. Criteria: Athena Diagnostics Criteria. Collection method: clinical testing. Allele origin: germline.

Eurofins Ntd Llc (ga)
Classification: Uncertain significance. Last evaluated: 2015-04-16. Review status: criteria provided, single submitter. Criteria: EGL Classification Definitions 2015. Collection method: clinical testing. Allele origin: germline. Observed: 1 variant allele, 1 heterozygote.

NM_001127222.2(CACNA1A):c.3436G>A (p.Val1146Ile)

Gene: CACNA1A (calcium voltage-gated channel subunit alpha1 A; minus strand). Cytogenetic location: 19p13.13.
Variant type: single nucleotide variant.
Coding change: c.3436G>A on transcript NM_001127222.2 (MANE Select); coding-DNA position 3436, G replaced by A.
Protein change: p.Val1146Ile; replaces valine 1146 with isoleucine.
Molecular consequence: missense variant.
Genome position (GRCh38, 1-based): chr19:13,286,620, C>T on the plus strand (G>A on the coding strand, the complement: CACNA1A is on the minus strand). VCF-style: chr19-13286620-C-T. GRCh37 (hg19) VCF-style: chr19-13397434-C-T.
Other names: c.3448G>A, p.Val1150Ile (NM_000068.4, NM_023035.3); c.3439G>A, p.Val1147Ile (NM_001127221.2, NM_001174080.2); short protein forms V1147I, V1150I, V1146I.
Identifiers: ClinVar variation 195470 (VCV000195470.20), dbSNP rs376365775, ClinGen allele CA241908.